The following is an entry in ClinVar:

ClinVar aggregate classification (germline): Conflicting classifications of pathogenicity. Review status: criteria provided, conflicting classifications (1 of 4 stars). 7 submissions from 7 submitters: Uncertain significance (6); Likely benign (1). Last evaluated 2026-04-10.

Conditions:
Hereditary cancer-predisposing syndrome. Also called: Tumor predisposition; Hereditary Cancer Syndrome; Hereditary neoplastic syndrome; Neoplastic Syndromes, Hereditary. Identifiers: Orphanet 140162, MedGen C0027672, MeSH D009386, MONDO:0015356.
Hereditary breast ovarian cancer syndrome. Also called: Hereditary breast and ovarian cancer syndrome (HBOC); Breast and ovarian cancer; Hereditary breast and ovarian cancer; Hereditary breast and ovarian cancer syndrome; BRCA1- and BRCA2-Associated Hereditary Breast and Ovarian Cancer; Hereditary breast and/or ovarian cancer syndrome. Identifiers: Orphanet 145, MedGen C0677776, MeSH D061325, MONDO:0003582. Disease mechanism: loss of function.

Allele frequency attached by ClinVar (database versions not stated): gnomAD exomes below 0.00001; TOPMed below 0.00001; ExAC 0.00001.
gnomAD v4.1: 4 of 1,614,214 alleles (0.00025%); highest among the groups gnomAD compares: African/African-American, 0.0013%; no homozygotes.

Submissions (7):

Women's Health and Genetics/Laboratory Corporation of America, LabCorp
Classification: Uncertain significance. Last evaluated: 2026-04-10. Review status: criteria provided, single submitter. Criteria: LabCorp Variant Classification Summary - May 2015. Collection method: clinical testing. Allele origin: germline.
Comment: Variant summary: BRCA1 c.3938A>G (p.Gln1313Arg) results in a conservative amino acid change in the encoded protein sequence. Algorithms developed to predict the effect of missense changes on protein structure and function all suggest that this variant is likely to be tolerated. The variant allele was found at a frequency of 4e-06 in 251228 control chromosomes (gnomAD). The available data on variant occurrences in the general population are insufficient to allow any conclusion about variant significance. To our knowledge, no occurrence of c.3938A>G in individuals affected with BRCA1-related conditions has been reported. At least one publication reports experimental evidence evaluating an impact on protein function. These results showed no damaging effect of this variant on HDR function (Nagy_2023). The following publication has been ascertained in the context of this evaluation (PMID: 37917606). ClinVar contains an entry for this variant (Variation ID: 440470). Based on the evidence outlined above, the variant was classified as uncertain significance.

Labcorp Genetics (formerly Invitae), Labcorp
Classification: Uncertain significance for Hereditary breast ovarian cancer syndrome. Last evaluated: 2024-08-11. Review status: criteria provided, single submitter. Criteria: Invitae Variant Classification Sherloc (09022015). Collection method: clinical testing. Allele origin: germline.
Comment: This sequence change replaces glutamine, which is neutral and polar, with arginine, which is basic and polar, at codon 1313 of the BRCA1 protein (p.Gln1313Arg). This variant is present in population databases (rs765729710, gnomAD 0.007%). This variant has not been reported in the literature in individuals affected with BRCA1-related conditions. ClinVar contains an entry for this variant (Variation ID: 440470). Advanced modeling of protein sequence and biophysical properties (such as structural, functional, and spatial information, amino acid conservation, physicochemical variation, residue mobility, and thermodynamic stability) performed at Invitae indicates that this missense variant is not expected to disrupt BRCA1 protein function with a negative predictive value of 95%. In summary, the available evidence is currently insufficient to determine the role of this variant in disease. Therefore, it has been classified as a Variant of Uncertain Significance.

Ambry Genetics
Classification: Uncertain significance for Hereditary cancer-predisposing syndrome. Last evaluated: 2024-03-14. Review status: criteria provided, single submitter. Criteria: Ambry Variant Classification Scheme 2023. Collection method: clinical testing. Allele origin: germline.
Comment: The p.Q1313R variant (also known as c.3938A>G), located in coding exon 9 of the BRCA1 gene, results from an A to G substitution at nucleotide position 3938. The glutamine at codon 1313 is replaced by arginine, an amino acid with highly similar properties. This amino acid position is not well conserved in available vertebrate species. In addition, the in silico prediction for this alteration is inconclusive. Since supporting evidence is limited at this time, the clinical significance of this alteration remains unclear.

University of Washington Department of Laboratory Medicine, University of Washington
Classification: Likely benign for Hereditary cancer-predisposing syndrome. Last evaluated: 2023-03-23. Review status: criteria provided, single submitter. Criteria: Dines et al. (Genet Med. 2020). Collection method: curation. Allele origin: germline.
Comment: Missense variant in a coldspot region where missense variants are very unlikely to be pathogenic (PMID:31911673).

BRCA1 coldspot (exon 11 using historical exon numbering). Reclassification based on statistical prior probability

GeneDx
Classification: Uncertain significance. Last evaluated: 2022-05-12. Review status: criteria provided, single submitter. Criteria: GeneDx Variant Classification Process June 2021. Collection method: clinical testing. Allele origin: germline. Affected: yes.
Comment: Not observed at significant frequency in large population cohorts (gnomAD); In silico analysis supports that this missense variant does not alter protein structure/function; Has not been previously published as pathogenic or benign to our knowledge; Also known as 4057A>G; This variant is associated with the following publications: (PMID: 15343273, 22737296)

Color Diagnostics, LLC DBA Color Health
Classification: Uncertain significance for Hereditary cancer-predisposing syndrome. Last evaluated: 2020-10-26. Review status: criteria provided, single submitter. Criteria: ACMG Guidelines, 2015. Collection method: clinical testing. Allele origin: germline.
Comment: This missense variant replaces glutamine with arginine at codon 1313 of the BRCA1 protein. Computational prediction is inconclusive regarding the impact of this variant on protein structure and function (internally defined REVEL score threshold 0.5 < inconclusive < 0.7, PMID: 27666373). To our knowledge, functional studies have not been reported for this variant. This variant has not been reported in individuals affected with hereditary cancer in the literature. This variant has been identified in 1/251228 chromosomes in the general population by the Genome Aggregation Database (gnomAD). The available evidence is insufficient to determine the role of this variant in disease conclusively. Therefore, this variant is classified as a Variant of Uncertain Significance.

Quest Diagnostics Nichols Institute San Juan Capistrano
Classification: Uncertain significance. Last evaluated: 2018-02-06. Review status: criteria provided, single submitter. Criteria: Quest Diagnostics criteria. Collection method: clinical testing. Allele origin: unknown.

Literature cited by the submitters: PubMed 37917606 (cited by Women's Health and Genetics/Laboratory Corporation of America, LabCorp).

NM_007294.4(BRCA1):c.3938A>G (p.Gln1313Arg)

Genes: BRCA1 (BRCA1 DNA repair associated; minus strand), LOC126862571 (BRD4-independent group 4 enhancer GRCh37_chr17:41243136-41244335; plus strand). Cytogenetic location: 17q21.31.
Variant type: single nucleotide variant.
Coding change: c.3938A>G on transcript NM_007294.4 (MANE Select); coding-DNA position 3938, A replaced by G.
Protein change: p.Gln1313Arg; replaces glutamine 1313 with arginine.
Molecular consequence: missense variant. On other transcripts: intron variant (135).
Genome position (GRCh38, 1-based): chr17:43,091,593, T>C on the plus strand (A>G on the coding strand, the complement: BRCA1 is on the minus strand). VCF-style: chr17-43091593-T-C. GRCh37 (hg19) VCF-style: chr17-41243610-T-C.
Other names: c.3938A>G, p.Gln1313Arg (NM_001407624.1, NM_001407625.1, NM_001407626.1 and 30 more transcripts); c.3935A>G, p.Gln1312Arg (NM_001407627.1, NM_001407628.1, NM_001407629.1 and 22 more transcripts); c.3929A>G, p.Gln1310Arg (NM_001407646.1, NM_001407647.1); c.3815A>G, p.Gln1272Arg (NM_001407648.1, NM_001407664.1, NM_001407665.1 and 19 more transcripts); c.3812A>G, p.Gln1271Arg (NM_001407649.1, NM_001407670.1, NM_001407671.1 and 11 more transcripts); c.3860A>G, p.Gln1287Arg (NM_001407653.1, NM_001407654.1, NM_001407655.1 and 4 more transcripts); c.3857A>G, p.Gln1286Arg (NM_001407659.1, NM_001407660.1, NM_001407661.1 and 1 more transcripts); c.3797A>G, p.Gln1266Arg (NM_001407692.1, NM_001407694.1, NM_001407695.1 and 29 more transcripts); and 41 more; short protein forms Q1313R, Q1266R, Q1017R, Q1186R, Q1201R, Q1242R, Q1271R, Q1312R.
Identifiers: ClinVar variation 440470 (VCV000440470.21), dbSNP rs765729710, ClinGen allele CA059105.